The following is an entry in ClinVar:

NM_004035.7(ACOX1):c.1574G>A (p.Arg525Gln)

Gene: ACOX1 (acyl-CoA oxidase 1; minus strand). Cytogenetic location: 17q25.1.
Variant type: single nucleotide variant.
Coding change: c.1574G>A on transcript NM_004035.7 (MANE Select); coding-DNA position 1574, G replaced by A.
Protein change: p.Arg525Gln; replaces arginine 525 with glutamine.
Molecular consequence: missense variant.
Genome position (GRCh38, 1-based): chr17:75,949,505, C>T on the plus strand (G>A on the coding strand, the complement: ACOX1 is on the minus strand). VCF-style: chr17-75949505-C-T. GRCh37 (hg19) VCF-style: chr17-73945586-C-T.
Other names: c.1460G>A, p.Arg487Gln (NM_001185039.2); c.1574G>A, p.Arg525Gln (NM_007292.6); c.1574G>A (NM_004035.6); short protein forms R487Q, R525Q.
Identifiers: ClinVar variation 2144088 (VCV002144088.4), dbSNP rs749761908, ClinGen allele CA8776731.
Genomic context (GRCh38, chr17:75,949,505, plus strand): 5'-TGCGGGATGCTGAGGGCAGGGAAGGGGAAAAAGAGAGAACTACCACTGACCTCACTTGCT[C>T]GAACAAGGTCAACAGAAGTTAGGTTCCAAGCTACCTCCTTGCTTTTTCTGTGAATCACTT-3'
Protein context (NP_004026.2, residues 515-535): AWNLTSVDLV[Arg525Gln]ASEAHCHYVV

ClinVar aggregate classification (germline): Uncertain significance. Review status: criteria provided, multiple submitters, no conflicts (2 of 4 stars). 2 submissions from 2 submitters: Uncertain significance (2). Last evaluated 2025-12-06.

Conditions:
ACOX1-related disorder. Also called: ACOX1-related disorders; ACOX1-related condition.
Acyl-CoA oxidase deficiency. Also called: STRAIGHT-CHAIN ACYL-CoA OXIDASE DEFICIENCY; Pseudoneonatal adrenoleukodystrophy; Peroxisomal acyl-CoA oxidase deficiency. Identifiers: Orphanet 2971, MedGen C1849678, MONDO:0009919, OMIM 264470. Disease mechanism: loss of function.

Allele frequency attached by ClinVar (database versions not stated): ExAC 0.00001; gnomAD exomes 0.00001; TOPMed 0.00001; gnomAD 0.00002; 1000 Genomes Project 30x 0.00031.
gnomAD v4.1: 10 of 1,614,196 alleles (0.00062%); highest among the groups gnomAD compares: South Asian, 0.0022%; no homozygotes.

Submissions (2):

PreventionGenetics, part of Exact Sciences
Classification: Uncertain significance for ACOX1-related condition. Last evaluated: 2025-12-06. Review status: criteria provided, single submitter. Criteria: ACMG Guidelines, 2015. Collection method: clinical testing. Allele origin: germline.
Comment: The ACOX1 c.1574G>A variant is predicted to result in the amino acid substitution p.Arg525Gln. To our knowledge, this variant has not been reported in the literature. This variant is reported in 0.0058% of alleles in individuals of Latino descent in gnomAD. At this time, the clinical significance of this variant is uncertain due to the absence of conclusive functional and genetic evidence.

Labcorp Genetics (formerly Invitae), Labcorp
Classification: Uncertain significance for Acyl-CoA oxidase deficiency. Last evaluated: 2025-08-11. Review status: criteria provided, single submitter. Criteria: Invitae Variant Classification Sherloc (09022015). Collection method: clinical testing. Allele origin: germline.
Comment: This sequence change replaces arginine, which is basic and polar, with glutamine, which is neutral and polar, at codon 525 of the ACOX1 protein (p.Arg525Gln). This variant is present in population databases (rs749761908, gnomAD 0.006%). This variant has not been reported in the literature in individuals affected with ACOX1-related conditions. ClinVar contains an entry for this variant (Variation ID: 2144088). An algorithm developed to predict the effect of missense changes on protein structure and function outputs the following: PolyPhen-2: "Benign". The glutamine amino acid residue is found in multiple mammalian species, which suggests that this missense change does not adversely affect protein function. In summary, the available evidence is currently insufficient to determine the role of this variant in disease. Therefore, it has been classified as a Variant of Uncertain Significance.